The following is an entry in ClinVar:

NM_006218.4(PIK3CA):c.1467G>C (p.Met489Ile)

Gene: PIK3CA (phosphatidylinositol-4,5-bisphosphate 3-kinase catalytic subunit alpha; plus strand). Cytogenetic location: 3q26.32.
Variant type: single nucleotide variant.
Coding change: c.1467G>C on transcript NM_006218.4 (MANE Select); coding-DNA position 1467, G replaced by C.
Protein change: p.Met489Ile; replaces methionine 489 with isoleucine.
Molecular consequence: missense variant.
Genome position (GRCh38, 1-based): chr3:179,210,493, G>C. VCF-style: chr3-179210493-G-C. GRCh37 (hg19) VCF-style: chr3-178928281-G-C.
Other names: short protein forms M489I.
Identifiers: ClinVar variation 1360478 (VCV001360478.6), dbSNP rs2108401457, ClinGen allele CA355262563.
Genomic context (GRCh38, chr3:179,210,493, plus strand): 5'-AACTCCATGCTTAGAGTTGGAGTTTGACTGGTTCAGCAGTGTGGTAAAGTTCCCAGATAT[G>C]TCAGTGATTGAAGAGCATGCCAATTGGTCTGTATCCCGAGAAGCAGGATTTAGCTATTCC-3'
Protein context (NP_006209.2, residues 479-499): WFSSVVKFPD[Met489Ile]SVIEEHANWS

ClinVar aggregate classification (germline): Uncertain significance (1 of 4 stars; one submission).

Conditions:
Cowden syndrome (CS). Also called: Cowden's disease; Cowden's syndrome; Cowden disease. Identifiers: Orphanet 201, MedGen C0018553, MONDO:0016063. Disease mechanism: gain of function.

Submission:

Labcorp Genetics (formerly Invitae), Labcorp
Classification: Uncertain significance for Cowden syndrome. Last evaluated: 2021-10-19. Review status: criteria provided, single submitter. Criteria: Invitae Variant Classification Sherloc (09022015). Collection method: clinical testing. Allele origin: germline.
Comment: This sequence change replaces methionine with isoleucine at codon 489 of the PIK3CA protein (p.Met489Ile). The methionine residue is highly conserved and there is a small physicochemical difference between methionine and isoleucine. This variant is not present in population databases (ExAC no frequency). This variant has not been reported in the literature in individuals affected with PIK3CA-related conditions. Advanced modeling of protein sequence and biophysical properties (such as structural, functional, and spatial information, amino acid conservation, physicochemical variation, residue mobility, and thermodynamic stability) performed at Invitae indicates that this missense variant is not expected to disrupt PIK3CA protein function. In summary, the available evidence is currently insufficient to determine the role of this variant in disease. Therefore, it has been classified as a Variant of Uncertain Significance.